The following is an entry in ClinVar:

NM_001040108.2(MLH3):c.1604A>G (p.Asn535Ser)

Gene: MLH3 (mutL homolog 3; minus strand). Cytogenetic location: 14q24.3.
Variant type: single nucleotide variant.
Coding change: c.1604A>G on transcript NM_001040108.2 (MANE Select); coding-DNA position 1604, A replaced by G.
Protein change: p.Asn535Ser; replaces asparagine 535 with serine.
Molecular consequence: missense variant.
Genome position (GRCh38, 1-based): chr14:75,048,052, T>C on the plus strand (A>G on the coding strand, the complement: MLH3 is on the minus strand). VCF-style: chr14-75048052-T-C. GRCh37 (hg19) VCF-style: chr14-75514755-T-C.
Other names: c.1604A>G, p.Asn535Ser (NM_014381.3); short protein forms N535S.
Identifiers: ClinVar variation 2147538 (VCV002147538.4), dbSNP rs2503291279, ClinGen allele CA390444888.

ClinVar aggregate classification (germline): Uncertain significance (1 of 4 stars; one submission).

Conditions:
Colorectal cancer, hereditary nonpolyposis, type 7. Identifiers: Orphanet 144, MedGen C1858380, MONDO:0013725, OMIM 614385.

Submission:

Labcorp Genetics (formerly Invitae), Labcorp
Classification: Uncertain significance for Colorectal cancer, hereditary nonpolyposis, type 7. Last evaluated: 2022-08-30. Review status: criteria provided, single submitter. Criteria: Invitae Variant Classification Sherloc (09022015). Collection method: clinical testing. Allele origin: germline.
Comment: In summary, the available evidence is currently insufficient to determine the role of this variant in disease. Therefore, it has been classified as a Variant of Uncertain Significance. Algorithms developed to predict the effect of missense changes on protein structure and function output the following: SIFT: "Tolerated"; PolyPhen-2: "Benign"; Align-GVGD: "Class C0". The serine amino acid residue is found in multiple mammalian species, which suggests that this missense change does not adversely affect protein function. This variant has not been reported in the literature in individuals affected with MLH3-related conditions. This variant is not present in population databases (gnomAD no frequency). This sequence change replaces asparagine, which is neutral and polar, with serine, which is neutral and polar, at codon 535 of the MLH3 protein (p.Asn535Ser).